The following is an entry in ClinVar:

NM_133493.5(CD109):c.1130G>A (p.Gly377Asp)

Gene: CD109 (CD109 molecule; plus strand). Cytogenetic location: 6q13.
Variant type: single nucleotide variant.
Coding change: c.1130G>A on transcript NM_133493.5 (MANE Select); coding-DNA position 1130, G replaced by A.
Protein change: p.Gly377Asp; replaces glycine 377 with aspartic acid.
Molecular consequence: missense variant.
Genome position (GRCh38, 1-based): chr6:73,765,952, G>A. VCF-style: chr6-73765952-G-A. GRCh37 (hg19) VCF-style: chr6-74475675-G-A.
Other names: c.1130G>A, p.Gly377Asp (NM_001159587.3); c.899G>A, p.Gly300Asp (NM_001159588.3); short protein forms G300D, G377D.
Identifiers: ClinVar variation 1879664 (VCV001879664.29), dbSNP rs7741152, ClinGen allele CA3891018.

ClinVar aggregate classification (germline): Benign (1 of 4 stars; one submission).

Allele frequency attached by ClinVar (database versions not stated): ESP Exome Variant Server 0.00546; 1000 Genomes Project 0.00559; TOPMed 0.00561; 1000 Genomes Project 30x 0.00578; gnomAD 0.00692; gnomAD exomes 0.00771; ExAC 0.00897.
gnomAD v4.1: 12,331 of 1,613,654 alleles (0.76%); highest among the groups gnomAD compares: Middle Eastern, 1.6%; 62 homozygotes.

Submission:

CeGaT Center for Human Genetics Tuebingen
Classification: Benign. Last evaluated: 2025-04-01. Review status: criteria provided, single submitter. Criteria: CeGaT Center For Human Genetics Tuebingen Variant Classification Criteria Version 2. Collection method: clinical testing. Allele origin: germline. Affected: yes. Observed: 3 variant alleles.
Comment: CD109: BP4, BS1, BS2